The following is an entry in ClinVar:

ClinVar aggregate classification (germline): Uncertain significance (1 of 4 stars; one submission).

Conditions:
Enchondromatosis. Also called: ENCHONDROMATOSIS, MULTIPLE, OLLIER TYPE; DYSCHONDROPLASIA; Ollier disease; Multiple cartilaginous enchondroses; Multiple enchondromatosis. Identifiers: Orphanet 296, MedGen C0014084, MONDO:0008145, OMIM 166000, HP:0005701.
Maffucci syndrome. Also called: MULTIPLE ENCHONDROMATOSIS, MAFFUCCI TYPE; Dyschondrodysplasia with Hemangiomas; Enchondromatosis with Multiple Cavernous Hemangiomas; Hemangiomatosis Chondrodystrophica; Multiple Angiomas and Endochondromas; Kast Syndrome. Identifiers: Orphanet 163634, MedGen C0024454, MONDO:0013808, OMIM 614569.

gnomAD v4.1: 4 of 1,613,762 alleles (0.00025%); highest among the groups gnomAD compares: Admixed American, 0.005%; no homozygotes.

Submission:

Clinical Genomics Laboratory, Washington University in St. Louis
Classification: Uncertain significance for Enchondromatosis; Maffucci syndrome. Last evaluated: 2025-08-25. Review status: criteria provided, single submitter. Criteria: ACMG Guidelines, 2015. Collection method: clinical testing. Allele origin: germline.
Comment: An IDH1 c.580C>T (p.His194Ty) variant was identified at a near heterozygous allelic fraction of 44.7%, a frequency which may be consistent with it being of germline origin. This variant, to our knowledge, has not been reported in the medical literature This variant is only observed on 4/1,613,762 alleles the general population (gnomAD v.4.1.0), indicating it is not a common variant. Computational predictors are uncertain as to the impact of this variant on IDH1 function. Due to limited information, and based on ACMG/AMP guidelines for variant interpretation (Richards S et al., PMID: 25741868), the clinical significance of this variant is uncertain at this time.

NM_005896.4(IDH1):c.580C>T (p.His194Tyr)

Gene: IDH1 (isocitrate dehydrogenase (NADP(+)) 1; minus strand). Cytogenetic location: 2q34.
Variant type: single nucleotide variant.
Coding change: c.580C>T on transcript NM_005896.4 (MANE Select); coding-DNA position 580, C replaced by T.
Protein change: p.His194Tyr; replaces histidine 194 with tyrosine.
Molecular consequence: missense variant.
Genome position (GRCh38, 1-based): chr2:208,243,545, G>A on the plus strand (C>T on the coding strand, the complement: IDH1 is on the minus strand). VCF-style: chr2-208243545-G-A. GRCh37 (hg19) VCF-style: chr2-209108269-G-A.
Other names: c.580C>T, p.His194Tyr (NM_001282386.1, NM_001282387.1); short protein forms H194Y.
Identifiers: ClinVar variation 4279963 (VCV004279963.1).